The following is an entry in ClinVar:

ClinVar aggregate classification (germline): Conflicting classifications of pathogenicity. Review status: criteria provided, conflicting classifications (1 of 4 stars). 3 submissions from 3 submitters: Uncertain significance (1); Likely benign (2). Last evaluated 2026-01-11.

Conditions:
ZNF469-related disorder. Also called: ZNF469-related condition.
Cardiovascular phenotype. Identifiers: MedGen CN230736.

Allele frequency attached by ClinVar (database versions not stated): gnomAD exomes 0.00006; ExAC 0.00007; gnomAD 0.00062; TOPMed 0.00068; 1000 Genomes Project 0.00100; 1000 Genomes Project 30x 0.00109.
gnomAD v4.1: 172 of 1,550,038 alleles (0.011%); highest among the groups gnomAD compares: African/African-American, 0.22%; no homozygotes.

Submissions (3):

Labcorp Genetics (formerly Invitae), Labcorp
Classification: Likely benign. Last evaluated: 2026-01-11. Review status: criteria provided, single submitter. Criteria: Invitae Variant Classification Sherloc (09022015). Collection method: clinical testing. Allele origin: germline.

PreventionGenetics, part of Exact Sciences
Classification: Likely benign for ZNF469-related condition. Last evaluated: 2025-06-18. Review status: criteria provided, single submitter. Criteria: ACMG Guidelines, 2015. Collection method: clinical testing. Allele origin: germline.
Comment: This variant is classified as likely benign based on ACMG/AMP sequence variant interpretation guidelines (Richards et al. 2015 PMID: 25741868, with internal and published modifications).

Ambry Genetics
Classification: Uncertain significance for Cardiovascular phenotype. Last evaluated: 2021-07-21. Review status: criteria provided, single submitter. Criteria: Ambry Variant Classification Scheme 2023. Collection method: clinical testing. Allele origin: germline.

NM_001367624.2(ZNF469):c.7471A>G (p.Lys2491Glu)

Gene: ZNF469 (zinc finger protein 469; plus strand). Cytogenetic location: 16q24.2.
Variant type: single nucleotide variant.
Coding change: c.7471A>G on transcript NM_001367624.2 (MANE Select); coding-DNA position 7471, A replaced by G.
Protein change: p.Lys2491Glu; replaces lysine 2491 with glutamic acid.
Molecular consequence: missense variant.
Genome position (GRCh38, 1-based): chr16:88,434,941, A>G. VCF-style: chr16-88434941-A-G. GRCh37 (hg19) VCF-style: chr16-88501349-A-G.
Other names: NM_001127464.1:c.7387A>G; NM_001127464.2:c.7387A>G; short protein forms K2491E.
Identifiers: ClinVar variation 1758627 (VCV001758627.8), dbSNP rs74032867, ClinGen allele CA8225248.
Genomic context (GRCh38, chr16:88,434,941, plus strand): 5'-CCTGTGACCTGTGAGGTCTGCGCAGCCTCCTTCCGCTCCGGGCCGGGCCTGAGCCGGCAC[A>G]AGGCCAGGAAGCACCGGCCACACCCGGGAGCCCCCGCGGAGCCGAGCCCAGCGGCCTTGC-3'
Protein context (NP_001354553.1, residues 2481-2501): FRSGPGLSRH[Lys2491Glu]ARKHRPHPGA